The following is an entry in ClinVar:

ClinVar aggregate classification (germline): Uncertain significance (1 of 4 stars; one submission).

Allele frequency attached by ClinVar (database versions not stated): gnomAD exomes below 0.00001; gnomAD 0.00002; TOPMed 0.00004.
gnomAD v4.1: 5 of 1,174,611 alleles (0.00043%); highest among the groups gnomAD compares: African/African-American, 0.0053%; no homozygotes.

Submission:

Labcorp Genetics (formerly Invitae), Labcorp
Classification: Uncertain significance. Last evaluated: 2023-10-05. Review status: criteria provided, single submitter. Criteria: Invitae Variant Classification Sherloc (09022015). Collection method: clinical testing. Allele origin: germline.
Comment: This sequence change falls in intron 2 of the POLA1 gene. It does not directly change the encoded amino acid sequence of the POLA1 protein. This variant is not present in population databases (gnomAD no frequency). This variant has not been reported in the literature in individuals affected with POLA1-related conditions. Algorithms developed to predict the effect of sequence changes on RNA splicing suggest that this variant may disrupt the consensus splice site. In summary, the available evidence is currently insufficient to determine the role of this variant in disease. Therefore, it has been classified as a Variant of Uncertain Significance.

NM_001330360.2(POLA1):c.169-4G>T

Gene: POLA1 (DNA polymerase alpha 1, catalytic subunit; plus strand). Cytogenetic location: Xp22.11.
Variant type: single nucleotide variant.
Coding change: c.169-4G>T on transcript NM_001330360.2 (MANE Select); 4 bases into the intron before coding-DNA position 169, G replaced by T.
Molecular consequence: intron variant.
Genome position (GRCh38, 1-based): chrX:24,703,247, G>T. VCF-style: chrX-24703247-G-T. GRCh37 (hg19) VCF-style: chrX-24721364-G-T.
Other names: c.169-4G>T (NM_001378303.1); c.151-4G>T (NM_016937.4).
Identifiers: ClinVar variation 2851255 (VCV002851255.3), dbSNP rs1391205449, ClinGen allele CA874166436.
Genomic context (GRCh38, chrX:24,703,247, plus strand): 5'-AGAATTATTTAACACTTTGACTCCTCTATTTGAAGCTTTTTTCCTGAAACTTGTATAATG[G>T]TAGGTCGAGGACTTCACAGGTGTTTATGAAGAAGTTGATGAAGAACAGTATTCGAAGCTG-3'